The following is an entry in ClinVar:

ClinVar aggregate classification (germline): Conflicting classifications of pathogenicity. Review status: criteria provided, conflicting classifications (1 of 4 stars). 2 submissions from 2 submitters: Uncertain significance (1); Benign (1). Last evaluated 2023-10-27.

Conditions:
Hereditary cancer-predisposing syndrome. Also called: Neoplastic Syndromes, Hereditary; Hereditary Cancer Syndrome; Hereditary neoplastic syndrome; Tumor predisposition. Identifiers: Orphanet 140162, MedGen C0027672, MeSH D009386, MONDO:0015356.
Tuberous sclerosis 2 (TSC2). Identifiers: Orphanet 805, MedGen C1860707, MONDO:0013199, OMIM 613254.

Allele frequency attached by ClinVar (database versions not stated): gnomAD exomes below 0.00001 and 0.00001.

Submissions (2):

Ambry Genetics
Classification: Uncertain significance for Hereditary cancer-predisposing syndrome. Last evaluated: 2023-10-27. Review status: criteria provided, single submitter. Criteria: Ambry Variant Classification Scheme 2023. Collection method: clinical testing. Allele origin: germline.
Comment: The p.L177F variant (also known as c.529C>T), located in coding exon 5 of the TSC2 gene, results from a C to T substitution at nucleotide position 529. The leucine at codon 177 is replaced by phenylalanine, an amino acid with highly similar properties. This amino acid position is highly conserved in available vertebrate species. In addition, this alteration is predicted to be deleterious by in silico analysis. Since supporting evidence is limited at this time, the clinical significance of this alteration remains unclear.

Labcorp Genetics (formerly Invitae), Labcorp
Classification: Benign for Tuberous sclerosis 2. Last evaluated: 2023-07-07. Review status: criteria provided, single submitter. Criteria: Invitae Variant Classification Sherloc (09022015). Collection method: clinical testing. Allele origin: germline.

NM_000548.5(TSC2):c.529C>T (p.Leu177Phe)

Gene: TSC2 (TSC complex subunit 2; plus strand). Cytogenetic location: 16p13.3.
Variant type: single nucleotide variant.
Coding change: c.529C>T on transcript NM_000548.5 (MANE Select); coding-DNA position 529, C replaced by T.
Protein change: p.Leu177Phe; replaces leucine 177 with phenylalanine.
Molecular consequence: missense variant. On other transcripts: intron variant (1).
Genome position (GRCh38, 1-based): chr16:2,055,449, C>T. VCF-style: chr16-2055449-C-T. GRCh37 (hg19) VCF-style: chr16-2105450-C-T.
Other names: c.529C>T, p.Leu177Phe (NM_001077183.3, NM_001114382.3, NM_001363528.2 and 3 more transcripts); c.418C>T, p.Leu140Phe (NM_001318827.2); c.382C>T, p.Leu128Phe (NM_001318829.2); c.562C>T, p.Leu188Phe (NM_001318832.2); c.-1-747C>T (NM_001318831.2); short protein forms L140F, L128F, L177F, L188F.
Identifiers: ClinVar variation 850642 (VCV000850642.10), dbSNP rs867879148, ClinGen allele CA394309356.